The following is an entry in ClinVar:

NM_005535.3(IL12RB1):c.1216G>T (p.Gly406Trp)

Gene: IL12RB1 (interleukin 12 receptor subunit beta 1; minus strand). Cytogenetic location: 19p13.11.
Variant type: single nucleotide variant.
Coding change: c.1216G>T on transcript NM_005535.3 (MANE Select); coding-DNA position 1216, G replaced by T.
Protein change: p.Gly406Trp; replaces glycine 406 with tryptophan.
Molecular consequence: missense variant.
Genome position (GRCh38, 1-based): chr19:18,068,500, C>A on the plus strand (G>T on the coding strand, the complement: IL12RB1 is on the minus strand). VCF-style: chr19-18068500-C-A. GRCh37 (hg19) VCF-style: chr19-18179310-C-A.
Other names: c.1216G>T, p.Gly406Trp (NM_001290023.2); c.1336G>T, p.Gly446Trp (NM_001290024.2); short protein forms G446W, G406W.
Identifiers: ClinVar variation 1443850 (VCV001443850.6), dbSNP rs2146201091, ClinGen allele CA404777875.

ClinVar aggregate classification (germline): Uncertain significance (1 of 4 stars; one submission).

Conditions:
Mendelian susceptibility to mycobacterial diseases due to complete IL12RB1 deficiency. Also called: Immunodeficiency 30; IL12RB1 DEFICIENCY. Identifiers: Orphanet 319552, MedGen C4013949, MONDO:0013955, OMIM 614891.

Submission:

Labcorp Genetics (formerly Invitae), Labcorp
Classification: Uncertain significance for Mendelian susceptibility to mycobacterial diseases due to complete IL12RB1 deficiency. Last evaluated: 2022-06-13. Review status: criteria provided, single submitter. Criteria: Invitae Variant Classification Sherloc (09022015). Collection method: clinical testing. Allele origin: germline.
Comment: In summary, the available evidence is currently insufficient to determine the role of this variant in disease. Therefore, it has been classified as a Variant of Uncertain Significance. Algorithms developed to predict the effect of missense changes on protein structure and function are either unavailable or do not agree on the potential impact of this missense change (SIFT: "Deleterious"; PolyPhen-2: "Probably Damaging"; Align-GVGD: "Class C0"). This variant has not been reported in the literature in individuals affected with IL12RB1-related conditions. This variant is not present in population databases (gnomAD no frequency). This sequence change replaces glycine, which is neutral and non-polar, with tryptophan, which is neutral and slightly polar, at codon 406 of the IL12RB1 protein (p.Gly406Trp).